The following is an entry in ClinVar:

NM_000516.7(GNAS):c.458T>C (p.Leu153Pro)

Gene: GNAS (GNAS complex locus; plus strand). Cytogenetic location: 20q13.32.
Variant type: single nucleotide variant.
Coding change: c.458T>C on transcript NM_000516.7 (MANE Select); coding-DNA position 458, T replaced by C.
Protein change: p.Leu153Pro; replaces leucine 153 with proline.
Molecular consequence: missense variant. On other transcripts: 3 prime UTR variant (2).
Genome position (GRCh38, 1-based): chr20:58,905,408, T>C. VCF-style: chr20-58905408-T-C. GRCh37 (hg19) VCF-style: chr20-57480463-T-C.
Other names: c.461T>C, p.Leu154Pro (NM_001077488.5); c.413T>C, p.Leu138Pro (NM_001077489.4); c.*319T>C (NM_001077490.3); c.281T>C, p.Leu94Pro (NM_001309840.2, NM_001309861.2, NM_001438276.1 and 1 more transcripts); c.362T>C, p.Leu121Pro (NM_001410912.1); c.2342T>C, p.Leu781Pro (NM_001410913.1); c.236T>C, p.Leu79Pro (NM_001438273.1, NM_001438274.1, NM_001438275.1); c.*364T>C (NM_016592.5); and 2 more; short protein forms L121P, L138P, L139P, L153P, L154P, L781P, L796P, L79P.
Identifiers: ClinVar variation 4888357 (VCV004888357.1).

ClinVar aggregate classification (germline): Likely pathogenic (1 of 4 stars; one submission).

Conditions:
Pseudohypoparathyroidism type 1B (PHP1B). Also called: Pseudohypoparathyroidism Type IB; PHP IB; Pseudohypoparathyroidism Ib (PHP-Ib). Identifiers: Orphanet 94089, MedGen C1864100, MONDO:0011301, OMIM 603233.
Pseudopseudohypoparathyroidism (PPHP). Also called: Pseudopseudohypoparathyroidism (PPHP); ALBRIGHT HEREDITARY OSTEODYSTROPHY WITHOUT MULTIPLE HORMONE RESISTANCE. Identifiers: Orphanet 79445, MedGen C0033835, MONDO:0012912, OMIM 612463.
Progressive osseous heteroplasia (POH). Also called: Osseus Heteroplasia, Progressive; Progressive Osseus Heteroplasia (POH); ECTOPIC OSSIFICATION, FAMILIAL; Osteoma cutis. Identifiers: Orphanet 2762, MedGen C0334041, MONDO:0008153, OMIM 166350, HP:0025027.
Pseudohypoparathyroidism type 1C (PHP1C). Also called: Pseudohypoparathyroidism Ic (PHP-Ic); PHP IC; PSEUDOHYPOPARATHYROIDISM, TYPE IC. Identifiers: Orphanet 79444, MedGen C2932716, MONDO:0012911, OMIM 612462.
Pseudohypoparathyroidism type I A (PHP1A). Also called: Pseudohypoparathyroidism Type IA; PHP IA; Pseudohypoparathyroidism Ia (PHP-Ia); Pseudohypoparathyroidism type 1A; ALBRIGHT HEREDITARY OSTEODYSTROPHY WITH MULTIPLE HORMONE RESISTANCE. Identifiers: Orphanet 79443, MedGen C3494506, MONDO:0007078, OMIM 103580.

Submission:

New York Genome Center
Classification: Likely pathogenic for Pseudohypoparathyroidism type I A; Pseudohypoparathyroidism type 1B; Pseudohypoparathyroidism type 1C; Pseudopseudohypoparathyroidism; Progressive osseous heteroplasia. Last evaluated: 2023-09-29. Review status: criteria provided, single submitter. Criteria: NYGC Assertion Criteria 2020. Collection method: clinical testing. Allele origin: de novo. Affected: yes. Observed: 1 variant allele, 1 heterozygote.
Comment: The c.458T>C variant in GNAS has not previously been reported in the literature or public variant repositories (ClinVar and LOVD), and is absent from population databases (gnomAD v2.1.1 and v3.1.2, TOPMed Freeze 8, All of Us), suggesting it is not a common benign variant in the populations represented in those databases. The c.458T>C variant in GNAS is located in exon 6 of this 13-exon gene, and is predicted to replace an evolutionarily conserved leucine amino acid with proline at position 153 (p.(Leu153Pro)) within the G-alpha domain of the encoded protein. In silico predictions are strongly in favor of damaging effect for the p.(Leu153Pro)variant [CADD v1.6 = 32, REVEL = 0.964]; however, there are no functional studies to support or refute these predictions. Another missense variant affecting the same amino acid residue (c.457C>G p.(Leu153Val)) has been reported in an individual with pseudopseudohypoparathyroidism [PMID: 24127307]. Based on available evidence this apparently de novo heterozygous c.458T>C p.(Leu153Pro) variant identified in GNAS is classified as Likely Pathogenic.